The following is an entry in ClinVar:

NM_000395.3(CSF2RB):c.2086C>T (p.Pro696Ser)

Gene: CSF2RB (colony stimulating factor 2 receptor subunit beta; plus strand). Cytogenetic location: 22q12.3.
Variant type: single nucleotide variant.
Coding change: c.2086C>T on transcript NM_000395.3 (MANE Select); coding-DNA position 2086, C replaced by T.
Protein change: p.Pro696Ser; replaces proline 696 with serine.
Molecular consequence: missense variant.
Genome position (GRCh38, 1-based): chr22:36,937,894, C>T. VCF-style: chr22-36937894-C-T. GRCh37 (hg19) VCF-style: chr22-37333936-C-T.
Other names: short protein forms P696S.
Identifiers: ClinVar variation 226551 (VCV000226551.19), dbSNP rs16997517, ClinGen allele CA10214034.
Genomic context (GRCh38, chr22:36,937,894, plus strand): 5'-CCTCCTGCTCTTGGGCCAAGGGTGGGAGGACAGGACCAAAAGGACAGCCCTGTGGCTATA[C>T]CCATGAGCTCTGGGGACACTGAGGACCCTGGAGTGGCCTCTGGTTATGTCTCCTCTGCAG-3'
Protein context (NP_000386.1, residues 686-706): QDQKDSPVAI[Pro696Ser]MSSGDTEDPG

ClinVar aggregate classification (germline): Benign/Likely benign. Review status: criteria provided, multiple submitters, no conflicts (2 of 4 stars). 6 submissions from 6 submitters: Benign (5); Likely benign (1). Last evaluated 2026-02-03.

Allele frequency attached by ClinVar (database versions not stated): gnomAD exomes 0.02648; ExAC 0.02936; gnomAD 0.04529 and 0.04626; TOPMed 0.04850; 1000 Genomes Project 0.04852; ESP Exome Variant Server 0.05175; 1000 Genomes Project 30x 0.05200.
gnomAD v4.1: 40,950 of 1,614,106 alleles (2.5%); highest among the groups gnomAD compares: African/African-American, 12%; 1,051 homozygotes.

Submissions (6):

Labcorp Genetics (formerly Invitae), Labcorp
Classification: Benign. Last evaluated: 2026-02-03. Review status: criteria provided, single submitter. Criteria: Invitae Variant Classification Sherloc (09022015). Collection method: clinical testing. Allele origin: germline.

Blueprint Genetics
Classification: Likely benign. Last evaluated: 2024-11-28. Review status: criteria provided, single submitter. Criteria: ACMG Guidelines, 2015. Collection method: clinical testing. Allele origin: germline.

Mayo Clinic Laboratories, Mayo Clinic
Classification: Benign. Last evaluated: 2022-09-06. Review status: criteria provided, single submitter. Criteria: ACMG Guidelines, 2015. Collection method: clinical testing. Allele origin: germline. Observed: 1 variant allele.

GeneDx
Classification: Benign. Last evaluated: 2019-01-31. Review status: criteria provided, single submitter. Criteria: GeneDx Variant Classification Process June 2021. Collection method: clinical testing. Allele origin: germline. Affected: yes.

Laboratory for Molecular Medicine, Mass General Brigham Personalized Medicine
Classification: Benign. Last evaluated: 2014-11-24. Review status: criteria provided, single submitter. Criteria: LMM Criteria. Collection method: clinical testing. Allele origin: germline. Observed: 3 variant alleles.
Comment: Pro696Ser in exon 14 of CSF2RB: This variant is not expected to have clinical si gnificance because it has been identified in 11.4% (504/4406) of African America n chromosomes from a broad population by the NHLBI Exome Sequencing Project (dbSNP rs16997517).

Breakthrough Genomics
Classification: Benign. Review status: criteria provided, single submitter. Criteria: ACMG Guidelines, 2015. Collection method: not provided. Allele origin: germline. Inheritance: Autosomal recessive inheritance. Affected: yes.